The following is an entry in ClinVar:

ClinVar aggregate classification (germline): Uncertain significance (1 of 4 stars; one submission).

Conditions:
Epidermolysis bullosa simplex 5C, with pyloric atresia (EBS5C). Also called: PLEC1-Related Epidermolysis Bullosa with Pyloric Atresia; Epidermolysis bullosa simplex with pyloric atresia; PLEC-Related Epidermolysis Bullosa with Pyloric Atresia. Identifiers: Orphanet 158684, MedGen C2677349, MONDO:0012807, OMIM 612138.
Epidermolysis bullosa simplex with nail dystrophy (EBS5D). Identifiers: MedGen C4225309, MONDO:0014661, OMIM 616487.
Epidermolysis bullosa simplex 5B, with muscular dystrophy (EBS5B). Also called: EPIDERMOLYSIS BULLOSA SIMPLEX AND LIMB-GIRDLE MUSCULAR DYSTROPHY; Epidermolysis bullosa simplex with muscular dystrophy. Identifiers: Orphanet 257, MedGen C2931072, MONDO:0009181, OMIM 226670.
Epidermolysis bullosa simplex, Ogna type (EBS5A). Also called: Pidermolysis bullosa simplex 5A, Ogna type; EPIDERMOLYSIS BULLOSA SIMPLEX 5A, OGNA TYPE. Identifiers: Orphanet 79401, MedGen C0432317, MONDO:0007555, OMIM 131950.
Autosomal recessive limb-girdle muscular dystrophy type 2Q (LGMDR17). Also called: MUSCULAR DYSTROPHY, LIMB-GIRDLE, AUTOSOMAL RECESSIVE 17. Identifiers: Orphanet 254361, MedGen C3150989, MONDO:0013390, OMIM 613723.

Allele frequency attached by ClinVar (database versions not stated): TOPMed 0.00003; gnomAD 0.00004; ExAC 0.00005.
gnomAD v4.1: 56 of 1,558,156 alleles (0.0036%); highest among the groups gnomAD compares: East Asian, 0.064%; no homozygotes.

Submission:

Labcorp Genetics (formerly Invitae), Labcorp
Classification: Uncertain significance for Autosomal recessive limb-girdle muscular dystrophy type 2Q; Epidermolysis bullosa simplex, Ogna type; Epidermolysis bullosa simplex with nail dystrophy; Epidermolysis bullosa simplex 5C, with pyloric atresia; Epidermolysis bullosa simplex 5B, with muscular dystrophy. Last evaluated: 2025-06-23. Review status: criteria provided, single submitter. Criteria: Invitae Variant Classification Sherloc (09022015). Collection method: clinical testing. Allele origin: germline.
Comment: This sequence change replaces arginine, which is basic and polar, with histidine, which is basic and polar, at codon 1621 of the PLEC protein (p.Arg1621His). The frequency data for this variant in the population databases is considered unreliable, as metrics indicate poor data quality at this position in the gnomAD database. This variant has not been reported in the literature in individuals affected with PLEC-related conditions. ClinVar contains an entry for this variant (Variation ID: 834112). Experimental studies and prediction algorithms are not available or were not evaluated, and the functional significance of this variant is currently unknown. In summary, the available evidence is currently insufficient to determine the role of this variant in disease. Therefore, it has been classified as a Variant of Uncertain Significance.

NM_201384.3(PLEC):c.4781G>A (p.Arg1594His)

Gene: PLEC (plectin; minus strand). Cytogenetic location: 8q24.3.
Variant type: single nucleotide variant.
Coding change: c.4781G>A on transcript NM_201384.3 (MANE Select); coding-DNA position 4781, G replaced by A.
Protein change: p.Arg1594His; replaces arginine 1594 with histidine.
Molecular consequence: missense variant.
Genome position (GRCh38, 1-based): chr8:143,925,148, C>T on the plus strand (G>A on the coding strand, the complement: PLEC is on the minus strand). VCF-style: chr8-143925148-C-T. GRCh37 (hg19) VCF-style: chr8-144999316-C-T.
Other names: c.4862G>A, p.Arg1621His (NM_000445.5); c.4739G>A, p.Arg1580His (NM_201378.4); c.4715G>A, p.Arg1572His (NM_201379.3); c.5192G>A, p.Arg1731His (NM_201380.4); c.4685G>A, p.Arg1562His (NM_201381.3); c.4781G>A, p.Arg1594His (NM_201382.4); c.4793G>A, p.Arg1598His (NM_201383.3); short protein forms R1594H, R1572H, R1598H, R1580H, R1621H, R1731H, R1562H.
Identifiers: ClinVar variation 834112 (VCV000834112.7), dbSNP rs564954644, ClinGen allele CA4926540.